The following is an entry in ClinVar:

NM_001367624.2(ZNF469):c.3823A>G (p.Thr1275Ala)

Gene: ZNF469 (zinc finger protein 469; plus strand). Cytogenetic location: 16q24.2.
Variant type: single nucleotide variant.
Coding change: c.3823A>G on transcript NM_001367624.2 (MANE Select); coding-DNA position 3823, A replaced by G.
Protein change: p.Thr1275Ala; replaces threonine 1275 with alanine.
Molecular consequence: missense variant.
Genome position (GRCh38, 1-based): chr16:88,431,293, A>G. VCF-style: chr16-88431293-A-G. GRCh37 (hg19) VCF-style: chr16-88497701-A-G.
Other names: NM_001127464.1:c.3739A>G; short protein forms T1275A.
Identifiers: ClinVar variation 1366429 (VCV001366429.7), dbSNP rs753159087, ClinGen allele CA8224890.

ClinVar aggregate classification (germline): Conflicting classifications of pathogenicity. Review status: criteria provided, conflicting classifications (1 of 4 stars). 3 submissions from 3 submitters: Uncertain significance (2); Likely benign (1). Last evaluated 2026-08-10.

Conditions:
Cardiovascular phenotype. Identifiers: MedGen CN230736.

Allele frequency attached by ClinVar (database versions not stated): gnomAD exomes 0.00001; ExAC 0.00006; TOPMed below 0.00001.
gnomAD v4.1: 10 of 1,550,140 alleles (0.00065%); highest among the groups gnomAD compares: Middle Eastern, 0.017%; no homozygotes.

Submissions (3):

Ambry Genetics
Classification: Likely benign for Cardiovascular phenotype. Last evaluated: 2026-08-10. Review status: criteria provided, single submitter. Criteria: Ambry Variant Classification Scheme 2023. Collection method: clinical testing. Allele origin: germline.

GeneDx
Classification: Uncertain significance. Last evaluated: 2024-06-16. Review status: criteria provided, single submitter. Criteria: GeneDx Variant Classification Process June 2021. Collection method: clinical testing. Allele origin: germline. Affected: yes.
Comment: Not observed at significant frequency in large population cohorts (gnomAD); In silico analysis indicates that this missense variant does not alter protein structure/function; Has not been previously published as pathogenic or benign to our knowledge

Labcorp Genetics (formerly Invitae), Labcorp
Classification: Uncertain significance. Last evaluated: 2022-07-19. Review status: criteria provided, single submitter. Criteria: Invitae Variant Classification Sherloc (09022015). Collection method: clinical testing. Allele origin: germline.
Comment: This sequence change replaces threonine, which is neutral and polar, with alanine, which is neutral and non-polar, at codon 1247 of the ZNF469 protein (p.Thr1247Ala). This variant is present in population databases (rs753159087, gnomAD no frequency). This variant has not been reported in the literature in individuals affected with ZNF469-related conditions. ClinVar contains an entry for this variant (Variation ID: 1366429). Algorithms developed to predict the effect of missense changes on protein structure and function output the following: SIFT: "Tolerated"; PolyPhen-2: "Benign"; Align-GVGD: "Class C0". The alanine amino acid residue is found in multiple mammalian species, which suggests that this missense change does not adversely affect protein function. In summary, the available evidence is currently insufficient to determine the role of this variant in disease. Therefore, it has been classified as a Variant of Uncertain Significance.